The following is an entry in ClinVar:

NM_017763.6(RNF43):c.20T>C (p.Leu7Pro)

Gene: RNF43 (ring finger protein 43; minus strand). Cytogenetic location: 17q22.
Variant type: single nucleotide variant.
Coding change: c.20T>C on transcript NM_017763.6 (MANE Select); coding-DNA position 20, T replaced by C.
Protein change: p.Leu7Pro; replaces leucine 7 with proline.
Molecular consequence: missense variant.
Genome position (GRCh38, 1-based): chr17:58,415,558, A>G on the plus strand (T>C on the coding strand, the complement: RNF43 is on the minus strand). VCF-style: chr17-58415558-A-G. GRCh37 (hg19) VCF-style: chr17-56492919-A-G.
Other names: c.20T>C, p.Leu7Pro (NM_001305544.3); c.20T>C (NM_017763.4); short protein forms L7P.
Identifiers: ClinVar variation 2899919 (VCV002899919.4), dbSNP rs1974107283, ClinGen allele CA400360806.

ClinVar aggregate classification (germline): Uncertain significance. Review status: criteria provided, multiple submitters, no conflicts (2 of 4 stars). 2 submissions from 2 submitters: Uncertain significance (2). Last evaluated 2025-12-08.

gnomAD v4.1: 1 of 1,608,602 alleles (0.000062%); no homozygotes.

Submissions (2):

Labcorp Genetics (formerly Invitae), Labcorp
Classification: Uncertain significance. Last evaluated: 2025-12-08. Review status: criteria provided, single submitter. Criteria: Invitae Variant Classification Sherloc (09022015). Collection method: clinical testing. Allele origin: germline.
Comment: This sequence change replaces leucine, which is neutral and non-polar, with proline, which is neutral and non-polar, at codon 7 of the RNF43 protein (p.Leu7Pro). This variant is not present in population databases (gnomAD no frequency). This variant has not been reported in the literature in individuals affected with RNF43-related conditions. ClinVar contains an entry for this variant (Variation ID: 2899919). An algorithm developed to predict the effect of missense changes on protein structure and function (PolyPhen-2) suggests that this variant is likely to be disruptive. In summary, the available evidence is currently insufficient to determine the role of this variant in disease. Therefore, it has been classified as a Variant of Uncertain Significance.

Ambry Genetics
Classification: Uncertain significance. Last evaluated: 2025-10-14. Review status: criteria provided, single submitter. Criteria: Ambry Variant Classification Scheme 2023. Collection method: clinical testing. Allele origin: germline.
Comment: The p.L7P variant (also known as c.20T>C), located in coding exon 1 of the RNF43 gene, results from a T to C substitution at nucleotide position 20. The leucine at codon 7 is replaced by proline, an amino acid with similar properties. This amino acid position is conserved. In addition, the in silico prediction for this alteration is inconclusive. Based on the available evidence, the clinical significance of this variant remains unclear.